The following is an entry in ClinVar:

NM_000111.3(SLC26A3):c.1802T>C (p.Ile601Thr)

Gene: SLC26A3 (solute carrier family 26 member 3; minus strand). Cytogenetic location: 7q22.3.
Variant type: single nucleotide variant.
Coding change: c.1802T>C on transcript NM_000111.3 (MANE Select); coding-DNA position 1802, T replaced by C.
Protein change: p.Ile601Thr; replaces isoleucine 601 with threonine.
Molecular consequence: missense variant.
Genome position (GRCh38, 1-based): chr7:107,774,125, A>G on the plus strand (T>C on the coding strand, the complement: SLC26A3 is on the minus strand). VCF-style: chr7-107774125-A-G. GRCh37 (hg19) VCF-style: chr7-107414570-A-G.
Other names: short protein forms I601T.
Identifiers: ClinVar variation 782026 (VCV000782026.18), dbSNP rs35776303, ClinGen allele CA4433683.

ClinVar aggregate classification (germline): Benign/Likely benign. Review status: criteria provided, multiple submitters, no conflicts (2 of 4 stars). 4 submissions from 4 submitters: Benign (2); Likely benign (2). Last evaluated 2026-01-29.

Conditions:
Congenital secretory diarrhea, chloride type (DIAR1). Also called: DIARRHEA 1, SECRETORY CHLORIDE, CONGENITAL; CHLORIDORRHEA, CONGENITAL; CHLORIDE DIARRHEA, CONGENITAL, FINNISH TYPE. Identifiers: Orphanet 53689, MedGen C0267662, MONDO:0008964, OMIM 214700.

Allele frequency attached by ClinVar (database versions not stated): gnomAD exomes 0.00173; ExAC 0.00201; gnomAD 0.00551 and 0.00583; ESP Exome Variant Server 0.00623; TOPMed 0.00631; 1000 Genomes Project 0.00679; 1000 Genomes Project 30x 0.00703.
gnomAD v4.1: 1,823 of 1,614,104 alleles (0.11%); highest among the groups gnomAD compares: African/African-American, 2%; 10 homozygotes.

Submissions (4):

Labcorp Genetics (formerly Invitae), Labcorp
Classification: Benign. Last evaluated: 2026-01-29. Review status: criteria provided, single submitter. Criteria: Invitae Variant Classification Sherloc (09022015). Collection method: clinical testing. Allele origin: germline.

GeneDx
Classification: Likely benign. Last evaluated: 2020-06-16. Review status: criteria provided, single submitter. Criteria: GeneDx Variant Classification Process June 2021. Collection method: clinical testing. Allele origin: germline. Affected: yes.

Illumina Laboratory Services, Illumina
Classification: Benign for Congenital secretory diarrhea, chloride type. Last evaluated: 2017-04-27. Review status: criteria provided, single submitter. Criteria: ICSL Variant Classification Criteria 13 December 2019. Collection method: clinical testing. Allele origin: germline.
Comment: This variant was observed as part of a predisposition screen in an ostensibly healthy population. A literature search was performed for the gene, cDNA change, and amino acid change (where applicable). Publications were found based on this search. The evidence from the literature, in combination with allele frequency data from public databases where available, was sufficient to rule this variant out of causing disease. Therefore, this variant is classified as benign.

Breakthrough Genomics
Classification: Likely benign. Review status: criteria provided, single submitter. Criteria: ACMG Guidelines, 2015. Collection method: not provided. Allele origin: germline. Inheritance: Autosomal recessive inheritance. Affected: yes.

Literature cited by the submitters: PubMed 21394828 (cited by Illumina Laboratory Services, Illumina).